The following is an entry in ClinVar:

ClinVar aggregate classification (germline): Uncertain significance (1 of 4 stars; one submission).

Conditions:
GM1 gangliosidosis. Identifiers: Orphanet 354, MedGen C0085131, MONDO:0018149.
Mucopolysaccharidosis, MPS-IV-B (MPS4B). Also called: MORQUIO SYNDROME B; Mucopolysaccharidosis Type IVB (Morquio B Disease); Mucopolysaccharidosis type 4B; Mucopolysaccharidosis type IVB (Morquio); MPS IVB; Mucopolysaccharidosis type IV B. Identifiers: Orphanet 309310, Orphanet 582, MedGen C0086652, MONDO:0009660, OMIM 253010.

Submission:

Labcorp Genetics (formerly Invitae), Labcorp
Classification: Uncertain significance for Mucopolysaccharidosis, MPS-IV-B; GM1 gangliosidosis. Last evaluated: 2022-07-25. Review status: criteria provided, single submitter. Criteria: Invitae Variant Classification Sherloc (09022015). Collection method: clinical testing. Allele origin: germline.
Comment: This sequence change replaces serine, which is neutral and polar, with phenylalanine, which is neutral and non-polar, at codon 58 of the GLB1 protein (p.Ser58Phe). This variant is not present in population databases (gnomAD no frequency). This variant has not been reported in the literature in individuals affected with GLB1-related conditions. ClinVar contains an entry for this variant (Variation ID: 1429163). Advanced modeling of protein sequence and biophysical properties (such as structural, functional, and spatial information, amino acid conservation, physicochemical variation, residue mobility, and thermodynamic stability) performed at Invitae indicates that this missense variant is not expected to disrupt GLB1 protein function. In summary, the available evidence is currently insufficient to determine the role of this variant in disease. Therefore, it has been classified as a Variant of Uncertain Significance.

NM_000404.4(GLB1):c.173C>T (p.Ser58Phe)

Gene: GLB1 (galactosidase beta 1; minus strand). Cytogenetic location: 3p22.3.
Variant type: single nucleotide variant.
Coding change: c.173C>T on transcript NM_000404.4 (MANE Select); coding-DNA position 173, C replaced by T.
Protein change: p.Ser58Phe; replaces serine 58 with phenylalanine.
Molecular consequence: missense variant.
Genome position (GRCh38, 1-based): chr3:33,072,616, G>A on the plus strand (C>T on the coding strand, the complement: GLB1 is on the minus strand). VCF-style: chr3-33072616-G-A. GRCh37 (hg19) VCF-style: chr3-33114108-G-A.
Other names: c.83C>T, p.Ser28Phe (NM_001079811.3); c.173C>T, p.Ser58Phe (NM_001135602.3, NM_001393580.1); c.317C>T, p.Ser106Phe (NM_001317040.2); short protein forms S106F, S28F, S58F.
Identifiers: ClinVar variation 1429163 (VCV001429163.3), dbSNP rs1302203983, ClinGen allele CA351996509.